The following is an entry in ClinVar:

NM_014780.5(CUL7):c.4681G>C (p.Glu1561Gln)

Gene: CUL7 (cullin 7; minus strand). Cytogenetic location: 6p21.1.
Variant type: single nucleotide variant.
Coding change: c.4681G>C on transcript NM_014780.5 (MANE Select); coding-DNA position 4681, G replaced by C.
Protein change: p.Glu1561Gln; replaces glutamic acid 1561 with glutamine.
Molecular consequence: missense variant.
Genome position (GRCh38, 1-based): chr6:43,038,359, C>G on the plus strand (G>C on the coding strand, the complement: CUL7 is on the minus strand). VCF-style: chr6-43038359-C-G. GRCh37 (hg19) VCF-style: chr6-43006097-C-G.
Other names: c.4777G>C, p.Glu1593Gln (NM_001168370.2, NM_001374872.1); c.4693G>C, p.Glu1565Gln (NM_001374873.1); c.4678G>C, p.Glu1560Gln (NM_001374874.1); c.4681G>C (NM_014780.4); short protein forms E1561Q, E1560Q, E1565Q, E1593Q.
Identifiers: ClinVar variation 1512231 (VCV001512231.5), dbSNP rs200397407, ClinGen allele CA3813138.

ClinVar aggregate classification (germline): Uncertain significance. Review status: criteria provided, multiple submitters, no conflicts (2 of 4 stars). 2 submissions from 2 submitters: Uncertain significance (2). Last evaluated 2025-08-12.

Conditions:
Inborn genetic diseases. Identifiers: MedGen C0950123, MeSH D030342.

Allele frequency attached by ClinVar (database versions not stated): gnomAD 0.00003 and 0.00004; ExAC 0.00004; gnomAD exomes 0.00005 and 0.00016; TOPMed 0.00005; ESP Exome Variant Server 0.00015.
gnomAD v4.1: 244 of 1,614,112 alleles (0.015%); highest among the groups gnomAD compares: Non-Finnish European, 0.02%; no homozygotes.

Submissions (2):

Labcorp Genetics (formerly Invitae), Labcorp
Classification: Uncertain significance. Last evaluated: 2025-08-12. Review status: criteria provided, single submitter. Criteria: Invitae Variant Classification Sherloc (09022015). Collection method: clinical testing. Allele origin: germline.
Comment: This sequence change replaces glutamic acid, which is acidic and polar, with glutamine, which is neutral and polar, at codon 1561 of the CUL7 protein (p.Glu1561Gln). This variant is present in population databases (rs200397407, gnomAD 0.01%). This variant has not been reported in the literature in individuals affected with CUL7-related conditions. ClinVar contains an entry for this variant (Variation ID: 1512231). Invitae Evidence Modeling of protein sequence and biophysical properties (such as structural, functional, and spatial information, amino acid conservation, physicochemical variation, residue mobility, and thermodynamic stability) has been performed for this missense variant. However, the output from this modeling did not meet the statistical confidence thresholds required to predict the impact of this variant on CUL7 protein function. In summary, the available evidence is currently insufficient to determine the role of this variant in disease. Therefore, it has been classified as a Variant of Uncertain Significance.

Ambry Genetics
Classification: Uncertain significance for Inborn genetic diseases. Last evaluated: 2024-08-12. Review status: criteria provided, single submitter. Criteria: Ambry Variant Classification Scheme 2023. Collection method: clinical testing. Allele origin: germline.